The following is an entry in ClinVar:

ClinVar aggregate classification (germline): Uncertain significance (1 of 4 stars; one submission).

Submission:

Labcorp Genetics (formerly Invitae), Labcorp
Classification: Uncertain significance. Last evaluated: 2025-07-23. Review status: criteria provided, single submitter. Criteria: Invitae Variant Classification Sherloc (09022015). Collection method: clinical testing. Allele origin: germline.
Comment: This variant, c.1896_1898del, results in the deletion of 1 amino acid(s) of the ERBIN protein (p.Asn632del), but otherwise preserves the integrity of the reading frame. This variant is present in population databases (rs747429831, gnomAD 0.01%). This variant has not been reported in the literature in individuals affected with ERBIN-related conditions. ClinVar contains an entry for this variant (Variation ID: 2883491). Experimental studies and prediction algorithms are not available or were not evaluated, and the functional significance of this variant is currently unknown. In summary, the available evidence is currently insufficient to determine the role of this variant in disease. Therefore, it has been classified as a Variant of Uncertain Significance.

NM_001253697.2(ERBIN):c.1896_1898del (p.Asn632del)

Gene: ERBIN (erbb2 interacting protein; plus strand). Cytogenetic location: 5q12.3.
Variant type: Deletion.
Coding change: c.1896_1898del on transcript NM_001253697.2 (MANE Select); coding-DNA positions 1896 to 1898, 3 bases deleted (CAA; older notation c.1896_1898delCAA).
Protein change: p.Asn632del; deletes asparagine 632.
Molecular consequence: inframe deletion.
Genome position (GRCh38, 1-based): chr5:66,048,774-66,048,776, CAA deleted; deleting any 3 consecutive bases within chr5:66,048,772-66,048,776 gives the same sequence; the c. name uses the placement nearest the transcript's 3' end. VCF-style (leftmost placement, unchanged base first): chr5-66048771-TAAC-T. GRCh37 (hg19) VCF-style: chr5-65344599-TAAC-T.
Other names: c.1896_1898del, p.Asn632del (NM_001006600.3, NM_001253698.2, NM_001253699.2 and 1 more transcripts); c.1884_1886del, p.Asn628del (NM_001253701.2); short protein forms N628del, N632del.
Identifiers: ClinVar variation 2883491 (VCV002883491.3), dbSNP rs747429831, ClinGen allele CA3286370.
Genomic context (GRCh38, chr5:66,048,771, plus strand): 5'-GATGCGACCACCATTAATTGAAACCTCTATTAACCAGCCAAAAGTCGTAGCACTTAGTAA[TAAC>T]AAAAAAGGTTAGATGTTAAAGGAAAGTGCTAAGAATAGAAATTGCCTCAATAAATTTATA-3'